The following is an entry in ClinVar:

NM_138387.4(G6PC3):c.477G>C (p.Leu159Phe)

Gene: G6PC3 (glucose-6-phosphatase catalytic subunit 3; plus strand). Cytogenetic location: 17q21.31.
Variant type: single nucleotide variant.
Coding change: c.477G>C on transcript NM_138387.4 (MANE Select); coding-DNA position 477, G replaced by C.
Protein change: p.Leu159Phe; replaces leucine 159 with phenylalanine.
Molecular consequence: missense variant. On other transcripts: intron variant (1).
Genome position (GRCh38, 1-based): chr17:44,075,029, G>C. VCF-style: chr17-44075029-G-C. GRCh37 (hg19) VCF-style: chr17-42152397-G-C.
Other names: c.132G>C, p.Leu44Phe (NM_001384165.1, NM_001384166.1, NM_001384167.1 and 1 more transcripts); c.416+259G>C (NM_001319945.2); short protein forms L44F, L159F.
Identifiers: ClinVar variation 4027582 (VCV004027582.1).
Genomic context (GRCh38, chr17:44,075,029, plus strand): 5'-CCGCTGGGTAAGGGTGATGCCTAGCCTGGCTTATTGCACCTTCCTTTTGGCGGTTGGCTT[G>C]TCGCGAATCTTCATCTTAGCACATTTCCCTCACCAGGTGCTGGCTGGCCTAATAACTGGT-3'
Protein context (NP_612396.1, residues 149-169): AYCTFLLAVG[Leu159Phe]SRIFILAHFP

ClinVar aggregate classification (germline): Uncertain significance (1 of 4 stars; one submission).

Conditions:
Inborn genetic diseases. Identifiers: MedGen C0950123, MeSH D030342.

gnomAD v4.1: 1 of 1,614,172 alleles (0.000062%); highest among the groups gnomAD compares: Non-Finnish European, 0.000085%; no homozygotes.

Submission:

Ambry Genetics
Classification: Uncertain significance for Inborn genetic diseases. Last evaluated: 2025-04-12. Review status: criteria provided, single submitter. Criteria: Ambry Variant Classification Scheme 2023. Collection method: clinical testing. Allele origin: germline.
Comment: The p.L159F variant (also known as c.477G>C), located in coding exon 4 of the G6PC3 gene, results from a G to C substitution at nucleotide position 477. The leucine at codon 159 is replaced by phenylalanine, an amino acid with highly similar properties. This amino acid position is conserved. In addition, this alteration is predicted to be tolerated by in silico analysis. Based on the available evidence, the clinical significance of this variant remains unclear.